The following is an entry in ClinVar:

ClinVar aggregate classification (germline): Uncertain significance. Review status: criteria provided, multiple submitters, no conflicts (2 of 4 stars). 7 submissions from 7 submitters: Uncertain significance (7). Last evaluated 2025-10-13.

Conditions:
Short QT syndrome type 1. Identifiers: Orphanet 51083, MedGen C1865020, MONDO:0012312, OMIM 609620.
Long QT syndrome 2 (LQT2). Identifiers: Orphanet 101016, Orphanet 768, MedGen C3150943, MONDO:0013367, OMIM 613688.
Long QT syndrome (LQTS). Identifiers: MedGen C0023976, MeSH D008133, MONDO:0002442. Disease mechanism: loss of function. Inheritance: Various modes of inheritance.
Cardiovascular phenotype. Identifiers: MedGen CN230736.
Cardiac arrhythmia. Also called: Arrhythmia; Cardiac rhythm disease. Identifiers: MedGen C0003811, MONDO:0007263, HP:0011675.

Allele frequency attached by ClinVar (database versions not stated): gnomAD exomes below 0.00001; ExAC 0.00001; gnomAD 0.00003 and 0.00004.
gnomAD v4.1: 20 of 1,589,780 alleles (0.0013%); highest among the groups gnomAD compares: African/African-American, 0.0095%; no homozygotes.

Submissions (7):

Labcorp Genetics (formerly Invitae), Labcorp
Classification: Uncertain significance for Long QT syndrome. Last evaluated: 2025-10-13. Review status: criteria provided, single submitter. Criteria: Invitae Variant Classification Sherloc (09022015). Collection method: clinical testing. Allele origin: germline.
Comment: This sequence change replaces arginine, which is basic and polar, with histidine, which is basic and polar, at codon 892 of the KCNH2 protein (p.Arg892His). The frequency data for this variant in the population databases is considered unreliable, as metrics indicate poor data quality at this position in the gnomAD database. This variant has not been reported in the literature in individuals affected with KCNH2-related conditions. ClinVar contains an entry for this variant (Variation ID: 1054268). An algorithm developed to predict the effect of missense changes on protein structure and function outputs the following: PolyPhen-2: "Possibly Damaging". The histidine amino acid residue is found in multiple mammalian species, which suggests that this missense change does not adversely affect protein function. In summary, the available evidence is currently insufficient to determine the role of this variant in disease. Therefore, it has been classified as a Variant of Uncertain Significance.

All of Us Research Program, National Institutes of Health
Classification: Uncertain significance for Long QT syndrome. Last evaluated: 2024-08-13. Review status: criteria provided, single submitter. Criteria: ACMG Guidelines, 2015. Collection method: clinical testing. Allele origin: germline. Inheritance: Autosomal dominant inheritance. Observed: 7 variant alleles, 7 heterozygotes.
Comment: This missense variant replaces arginine with histidine at codon 892 of the KCNH2 protein. Computational prediction suggests that this variant may have deleterious impact on protein structure and function (internally defined REVEL score threshold >= 0.7, PMID: 27666373). To our knowledge, functional studies have not been reported for this variant. This variant has not been reported in individuals affected with cardiovascular disorders in the literature. This variant has been identified in 2/277194 chromosomes in the general population by the Genome Aggregation Database (gnomAD). The available evidence is insufficient to determine the role of this variant in disease conclusively. Therefore, this variant is classified as a Variant of Uncertain Significance.

This study involves interpretation of variants in research participants for the purpose of population health screening. Participant phenotype was not available at the time of variant classification. Additional details can be found in publication PMID: 35346344, PMCID: PMC8962531

Ambry Genetics
Classification: Uncertain significance for Cardiovascular phenotype. Last evaluated: 2024-07-30. Review status: criteria provided, single submitter. Criteria: Ambry Variant Classification Scheme 2023. Collection method: clinical testing. Allele origin: germline.
Comment: The p.R892H variant (also known as c.2675G>A), located in coding exon 11 of the KCNH2 gene, results from a G to A substitution at nucleotide position 2675. The arginine at codon 892 is replaced by histidine, an amino acid with highly similar properties. This amino acid position is well conserved in available vertebrate species. In addition, this alteration is predicted to be deleterious by in silico analysis. Based on the available evidence, the clinical significance of this variant remains unclear.

Color Diagnostics, LLC DBA Color Health
Classification: Uncertain significance for Cardiac arrhythmia. Last evaluated: 2024-03-07. Review status: criteria provided, single submitter. Criteria: ACMG Guidelines, 2015. Collection method: clinical testing. Allele origin: germline.
Comment: This missense variant replaces arginine with histidine at codon 892 of the KCNH2 protein. Computational prediction suggests that this variant may have deleterious impact on protein structure and function. To our knowledge, functional studies have not been reported for this variant. This variant has not been reported in individuals affected with cardiovascular disorders in the literature. This variant has been identified in 2/277194 chromosomes in the general population by the Genome Aggregation Database (gnomAD). The available evidence is insufficient to determine the role of this variant in disease conclusively. Therefore, this variant is classified as a Variant of Uncertain Significance.

Fulgent Genetics
Classification: Uncertain significance for Short QT syndrome type 1; Long QT syndrome 2. Last evaluated: 2021-11-02. Review status: criteria provided, single submitter. Criteria: ACMG Guidelines, 2015. Collection method: clinical testing. Allele origin: unknown.

AiLife Diagnostics
Classification: Uncertain significance. Last evaluated: 2021-07-12. Review status: criteria provided, single submitter. Criteria: ACMG Guidelines, 2015. Collection method: clinical testing. Allele origin: germline. Affected: yes. Observed: 1 variant allele.

GeneDx
Classification: Uncertain significance. Last evaluated: 2019-07-22. Review status: criteria provided, single submitter. Criteria: GeneDx Variant Classification Process June 2021. Collection method: clinical testing. Allele origin: germline. Affected: yes.
Comment: Has not been previously published as pathogenic or benign to our knowledge; Not observed at a significant frequency in large population cohorts (Lek et al., 2016); In silico analysis, which includes protein predictors and evolutionary conservation, supports that this variant does not alter protein structure/function

NM_000238.4(KCNH2):c.2675G>A (p.Arg892His)

Gene: KCNH2 (potassium voltage-gated channel subfamily H member 2; minus strand). Cytogenetic location: 7q36.1.
Variant type: single nucleotide variant.
Coding change: c.2675G>A on transcript NM_000238.4 (MANE Select); coding-DNA position 2675, G replaced by A.
Protein change: p.Arg892His; replaces arginine 892 with histidine.
Molecular consequence: missense variant.
Genome position (GRCh38, 1-based): chr7:150,948,461, C>T on the plus strand (G>A on the coding strand, the complement: KCNH2 is on the minus strand). VCF-style: chr7-150948461-C-T. GRCh37 (hg19) VCF-style: chr7-150645549-C-T.
Other names: c.1655G>A, p.Arg552His (NM_172057.3); short protein forms R552H, R892H.
Identifiers: ClinVar variation 1054268 (VCV001054268.21), dbSNP rs774216337, ClinGen allele CA033981.